The following is an entry in ClinVar:

NM_003482.4(KMT2D):c.11871GCAACA[1] (p.Gln3964_Gln3965del)

Gene: KMT2D (lysine methyltransferase 2D; minus strand). Cytogenetic location: 12q13.12.
Variant type: Microsatellite.
Coding change: c.11871GCAACA[1] on transcript NM_003482.4 (MANE Select); one copy of the 6-base unit GCAACA starting at c.11871; the reference has two copies in a row; one copy, 6 bases deleted.
Protein change: p.Gln3964_Gln3965del.
Genome position (GRCh38, 1-based): chr12:49,032,823-49,032,828, TGTTGC deleted on the plus strand (GCAACA on the coding strand, the reverse complement: KMT2D is on the minus strand); deleting any 6 consecutive bases within chr12:49,032,823-49,032,839 gives the same sequence; the position shown is the placement nearest the transcript's 3' end. VCF-style (leftmost placement, unchanged base first): chr12-49032822-TTGTTGC-T. GRCh37 (hg19) VCF-style: chr12-49426605-TTGTTGC-T.
Identifiers: ClinVar variation 3672840 (VCV003672840.9).

ClinVar aggregate classification (germline): Uncertain significance. Review status: criteria provided, multiple submitters, no conflicts (2 of 4 stars). 3 submissions from 3 submitters: Uncertain significance (3). Last evaluated 2025-11-01.

Conditions:
Kabuki syndrome. Also called: Kabuki make-up syndrome; NIIKAWA-KUROKI SYNDROME. Identifiers: Orphanet 2322, MedGen C0796004, MONDO:0016512.

Submissions (3):

CeGaT Center for Human Genetics Tuebingen
Classification: Uncertain significance. Last evaluated: 2025-11-01. Review status: criteria provided, single submitter. Criteria: CeGaT Center For Human Genetics Tuebingen Variant Classification Criteria Version 2. Collection method: clinical testing. Allele origin: germline. Affected: yes. Observed: 1 variant allele.
Comment: KMT2D: PM4

Labcorp Genetics (formerly Invitae), Labcorp
Classification: Uncertain significance for Kabuki syndrome. Last evaluated: 2025-09-20. Review status: criteria provided, single submitter. Criteria: Invitae Variant Classification Sherloc (09022015). Collection method: clinical testing. Allele origin: germline.
Comment: This variant, c.11877_11882del, results in the deletion of 2 amino acid(s) of the KMT2D protein (p.Gln3964_Gln3965del), but otherwise preserves the integrity of the reading frame. The frequency data for this variant in the population databases is considered unreliable, as metrics indicate poor data quality at this position in the gnomAD database. This variant has not been reported in the literature in individuals affected with KMT2D-related conditions. Experimental studies and prediction algorithms are not available or were not evaluated, and the functional significance of this variant is currently unknown. In summary, the available evidence is currently insufficient to determine the role of this variant in disease. Therefore, it has been classified as a Variant of Uncertain Significance.

Blueprint Genetics
Classification: Uncertain significance. Last evaluated: 2021-06-21. Review status: criteria provided, single submitter. Criteria: ACMG Guidelines, 2015. Collection method: clinical testing. Allele origin: germline.